The following is an entry in ClinVar:

ClinVar aggregate classification (germline): Uncertain significance (1 of 4 stars; one submission).

Allele frequency attached by ClinVar (database versions not stated): gnomAD exomes below 0.00001; ExAC 0.00001; 1000 Genomes Project 30x 0.00016.
gnomAD v4.1: 2 of 1,613,038 alleles (0.00012%); highest among the groups gnomAD compares: Admixed American, 0.0017%; no homozygotes.

Submission:

Labcorp Genetics (formerly Invitae), Labcorp
Classification: Uncertain significance. Last evaluated: 2023-12-11. Review status: criteria provided, single submitter. Criteria: Invitae Variant Classification Sherloc (09022015). Collection method: clinical testing. Allele origin: germline.
Comment: This sequence change replaces isoleucine, which is neutral and non-polar, with valine, which is neutral and non-polar, at codon 877 of the TTC37 protein (p.Ile877Val). The frequency data for this variant in the population databases is considered unreliable, as metrics indicate poor data quality at this position in the gnomAD database. This variant has not been reported in the literature in individuals affected with TTC37-related conditions. ClinVar contains an entry for this variant (Variation ID: 1923397). An algorithm developed to predict the effect of missense changes on protein structure and function (PolyPhen-2) suggests that this variant is likely to be tolerated. In summary, the available evidence is currently insufficient to determine the role of this variant in disease. Therefore, it has been classified as a Variant of Uncertain Significance.

NM_014639.4(SKIC3):c.2629A>G (p.Ile877Val)

Gene: SKIC3 (SKI3 subunit of superkiller complex; minus strand). Cytogenetic location: 5q15.
Variant type: single nucleotide variant.
Coding change: c.2629A>G on transcript NM_014639.4 (MANE Select); coding-DNA position 2629, A replaced by G.
Protein change: p.Ile877Val; replaces isoleucine 877 with valine.
Molecular consequence: missense variant.
Genome position (GRCh38, 1-based): chr5:95,516,358, T>C on the plus strand (A>G on the coding strand, the complement: SKIC3 is on the minus strand). VCF-style: chr5-95516358-T-C. GRCh37 (hg19) VCF-style: chr5-94852062-T-C.
Other names: short protein forms I877V.
Identifiers: ClinVar variation 1923397 (VCV001923397.5), dbSNP rs748433970, ClinGen allele CA3347018.
Genomic context (GRCh38, chr5:95,516,358, plus strand): 5'-AATAATATAGAAAACATTCTTTGTTTTAAATATGACAGACAGGCAACATATTTACCTCAA[T>C]GTTTTCATTTGTGAGGTATAACACTCCCAAGTTGGTCCATGCAACAGCATTCTAAAAAAC-3'
Protein context (NP_055454.1, residues 867-887): LGVLYLTNEN[Ile877Val]EQAHEAFKMA